The following is an entry in ClinVar:

NM_002474.3(MYH11):c.4620G>A (p.Gln1540=)

Genes: NDE1 (nudE neurodevelopment protein 1; plus strand), MYH11 (myosin heavy chain 11; minus strand). Cytogenetic location: 16p13.11.
Variant type: single nucleotide variant.
Coding change: c.4620G>A on transcript NM_002474.3 (MANE Select); coding-DNA position 4620, G replaced by A.
Protein change: p.Gln1540=; no amino-acid change (glutamine 1540 retained).
Molecular consequence: synonymous variant. On other transcripts: intron variant (2).
Genome position (GRCh38, 1-based): chr16:15,721,010, C>T on the plus strand (G>A on the coding strand, the complement: MYH11 is on the minus strand). VCF-style: chr16-15721010-C-T. GRCh37 (hg19) VCF-style: chr16-15814867-C-T.
Other names: c.4641G>A, p.Gln1547= (NM_001040113.2, NM_001040114.2); c.4620G>A, p.Gln1540= (NM_022844.3); c.948-3181C>T (NM_001143979.2, NM_017668.3).
Identifiers: ClinVar variation 3075416 (VCV003075416.1), dbSNP rs1418865149, ClinGen allele CA494087805.

ClinVar aggregate classification (germline): Likely benign (1 of 4 stars; one submission).

Conditions:
Familial thoracic aortic aneurysm and aortic dissection (TAAD). Also called: Thoracic aortic aneurysms and dissections. Identifiers: Orphanet 91387, MedGen C4707243, MONDO:0019625.

Allele frequency attached by ClinVar (database versions not stated): gnomAD exomes below 0.00001.
gnomAD v4.1: 2 of 1,614,144 alleles (0.00012%); highest among the groups gnomAD compares: Non-Finnish European, 0.00017%; no homozygotes.

Submission:

All of Us Research Program, National Institutes of Health
Classification: Likely benign for Familial thoracic aortic aneurysm and aortic dissection. Last evaluated: 2024-02-05. Review status: criteria provided, single submitter. Criteria: ACMG Guidelines, 2015. Collection method: clinical testing. Allele origin: germline. Inheritance: Autosomal dominant inheritance. Observed: 1 variant allele, 1 heterozygote.
Comment: This study involves interpretation of variants in research participants for the purpose of population health screening. Participant phenotype was not available at the time of variant classification. Additional details can be found in publication PMID: 35346344, PMCID: PMC8962531